The following is an entry in ClinVar:

ClinVar aggregate classification (germline): Uncertain significance. Review status: criteria provided, multiple submitters, no conflicts (2 of 4 stars). 2 submissions from 2 submitters: Uncertain significance (2). Last evaluated 2024-11-19.

Conditions:
Charcot-Marie-Tooth disease type 2. Also called: Charcot-Marie-Tooth type 2. Identifiers: Orphanet 64746, MedGen C0270914, MONDO:0018993.

Allele frequency attached by ClinVar (database versions not stated): ExAC 0.00001; gnomAD 0.00001; gnomAD exomes 0.00002.
gnomAD v4.1: 36 of 1,614,044 alleles (0.0022%); highest among the groups gnomAD compares: South Asian, 0.0099%; no homozygotes.

Submissions (2):

Labcorp Genetics (formerly Invitae), Labcorp
Classification: Uncertain significance for Charcot-Marie-Tooth disease type 2. Last evaluated: 2024-11-19. Review status: criteria provided, single submitter. Criteria: Invitae Variant Classification Sherloc (09022015). Collection method: clinical testing. Allele origin: germline.
Comment: This sequence change replaces alanine, which is neutral and non-polar, with valine, which is neutral and non-polar, at codon 326 of the MFN2 protein (p.Ala326Val). This variant is present in population databases (rs778350613, gnomAD 0.006%). This variant has not been reported in the literature in individuals affected with MFN2-related conditions. ClinVar contains an entry for this variant (Variation ID: 543166). Invitae Evidence Modeling of protein sequence and biophysical properties (such as structural, functional, and spatial information, amino acid conservation, physicochemical variation, residue mobility, and thermodynamic stability) has been performed for this missense variant. However, the output from this modeling did not meet the statistical confidence thresholds required to predict the impact of this variant on MFN2 protein function. In summary, the available evidence is currently insufficient to determine the role of this variant in disease. Therefore, it has been classified as a Variant of Uncertain Significance.

Blueprint Genetics
Classification: Uncertain significance. Last evaluated: 2024-09-03. Review status: criteria provided, single submitter. Criteria: ACMG Guidelines, 2015. Collection method: clinical testing. Allele origin: germline.

NM_014874.4(MFN2):c.977C>T (p.Ala326Val)

Gene: MFN2 (mitofusin 2; plus strand). Cytogenetic location: 1p36.22.
Variant type: single nucleotide variant.
Coding change: c.977C>T on transcript NM_014874.4 (MANE Select); coding-DNA position 977, C replaced by T.
Protein change: p.Ala326Val; replaces alanine 326 with valine.
Molecular consequence: missense variant.
Genome position (GRCh38, 1-based): chr1:12,001,775, C>T. VCF-style: chr1-12001775-C-T. GRCh37 (hg19) VCF-style: chr1-12061832-C-T.
Other names: c.977C>T, p.Ala326Val (NM_001127660.2); short protein forms A326V.
Identifiers: ClinVar variation 543166 (VCV000543166.9), dbSNP rs778350613, ClinGen allele CA598981.